The following is an entry in ClinVar:

NM_000277.3(PAH):c.301G>A (p.Asp101Asn)

Gene: PAH (phenylalanine hydroxylase; minus strand). Cytogenetic location: 12q23.2.
Variant type: single nucleotide variant.
Coding change: c.301G>A on transcript NM_000277.3 (MANE Select); coding-DNA position 301, G replaced by A.
Protein change: p.Asp101Asn; replaces aspartic acid 101 with asparagine.
Molecular consequence: missense variant.
Genome position (GRCh38, 1-based): chr12:102,894,786, C>T on the plus strand (G>A on the coding strand, the complement: PAH is on the minus strand). VCF-style: chr12-102894786-C-T. GRCh37 (hg19) VCF-style: chr12-103288564-C-T.
Other names: c.301G>A, p.Asp101Asn (NM_001354304.2); short protein forms D101N.
Identifiers: ClinVar variation 553851 (VCV000553851.16), dbSNP rs1555207979, ClinGen allele CA16020762.

ClinVar aggregate classification (germline): Likely pathogenic. Review status: reviewed by expert panel (3 of 4 stars). 6 submissions from 6 submitters: Likely pathogenic (1). 5 of the submissions do not count toward it. Last evaluated 2020-04-10.

Conditions:
Phenylketonuria (PKU). Also called: Phenylketonuria (PKU); FOLLING DISEASE; OLIGOPHRENIA PHENYLPYRUVICA; Phenylketonurias. Identifiers: Orphanet 716, MedGen C0031485, MONDO:0009861, OMIM 261600. Disease mechanism: loss of function.

Allele frequency attached by ClinVar (database versions not stated): TOPMed below 0.00001.
gnomAD v4.1: 1 of 1,614,096 alleles (0.000062%); no homozygotes.

Submissions (6):

ClinGen PAH Variant Curation Expert Panel
Classification: Likely pathogenic for Phenylketonuria. Last evaluated: 2020-04-10. Review status: reviewed by expert panel. Criteria: ClinGen PAH ACMG Specifications v1. Collection method: curation. Allele origin: germline. Inheritance: Autosomal recessive inheritance.
Comment: The c.301G>A (p.Asp101Asn) variant in PAH has been reported in 3 patients with PKU (BH4 deficiency excluded) (PMID: 26503515, 26600521, 28982351). This variant is absent from controls in ExAC, gnomAD, 1000 Genomes, ESP. Conflicting computational evidence: SIFT (T); PolyPhen-2 (B); MutationTaster (D); REVEL=0.465. It is detected in trans with pathogenic variants Q267E and p.Arg158Trp. In summary, this variant meets criteria to be classified as likely pathogenic for PAH. PAH-specific ACMG/AMP criteria applied: PP4_Moderate, PM2, PM3_strong.

Labcorp Genetics (formerly Invitae), Labcorp
Classification: Pathogenic for Phenylketonuria. Last evaluated: 2024-01-05. Review status: criteria provided, single submitter. Criteria: Invitae Variant Classification Sherloc (09022015). Collection method: clinical testing. Allele origin: germline. Not counted in ClinVar's aggregate classification.
Comment: This sequence change replaces aspartic acid, which is acidic and polar, with asparagine, which is neutral and polar, at codon 101 of the PAH protein (p.Asp101Asn). This variant is not present in population databases (gnomAD no frequency). This missense change has been observed in individual(s) with phenylketonuria (PMID: 28982351). ClinVar contains an entry for this variant (Variation ID: 553851). Advanced modeling of protein sequence and biophysical properties (such as structural, functional, and spatial information, amino acid conservation, physicochemical variation, residue mobility, and thermodynamic stability) performed at Invitae indicates that this missense variant is not expected to disrupt PAH protein function with a negative predictive value of 80%. For these reasons, this variant has been classified as Pathogenic.

Baylor Genetics
Classification: Pathogenic for Phenylketonuria. Last evaluated: 2023-11-18. Review status: criteria provided, single submitter. Criteria: ACMG Guidelines, 2015. Collection method: clinical testing. Allele origin: unknown. Not counted in ClinVar's aggregate classification.

Women's Health and Genetics/Laboratory Corporation of America, LabCorp
Classification: Pathogenic for Phenylketonuria. Last evaluated: 2020-03-09. Review status: criteria provided, single submitter. Criteria: LabCorp Variant Classification Summary - May 2015. Collection method: clinical testing. Allele origin: germline. Not counted in ClinVar's aggregate classification.
Comment: Variant summary: PAH c.301G>A (p.Asp101Asn) results in a conservative amino acid change in the encoded protein sequence. Three of five in-silico tools predict a benign effect of the variant on protein function. The variant was absent in 251456 control chromosomes. c.301G>A has been reported in the literature in individuals affected with Phenylalanine Hydroxylase Deficiency (Phenylketonuria) and HPA (Li_2015, Liu_2017, Wang_2018). These data indicate that the variant is very likely to be associated with disease. To our knowledge, no experimental evidence demonstrating an impact on protein function has been reported. Two clinical diagnostic laboratories have submitted clinical-significance assessments for this variant to ClinVar after 2014 without evidence for independent evaluation. One laboratory classified the variant as pathogenic, and one laboratory classified the variant as uncertain significance. Based on the evidence outlined above, the variant was classified as pathogenic.

Juno Genomics, Hangzhou Juno Genomics, Inc
Classification: Likely pathogenic for Phenylketonuria. Review status: criteria provided, single submitter. Criteria: ACMG Guidelines, 2015. Collection method: clinical testing. Allele origin: germline. Not counted in ClinVar's aggregate classification.
Comment: Absent from controls (or at extremely low frequency if recessive) in Genome Aggregation Database.;For recessive disorders, detected in trans with a pathogenic variant.

Counsyl
Classification: Uncertain significance for Phenylketonuria. Last evaluated: 2017-09-14. Review status: no assertion criteria provided. Collection method: clinical testing. Allele origin: unknown. Not counted in ClinVar's aggregate classification.

Literature cited by the submitters: PubMed 26600521 (cited by ClinGen PAH Variant Curation Expert Panel and Counsyl); PubMed 28982351 (cited by 3 submitters); PubMed 26503515 (cited by 3 submitters); PubMed 29499199 (cited by Women's Health and Genetics/Laboratory Corporation of America, LabCorp); PubMed 27264808 (cited by Counsyl); PubMed 17627389 (cited by Counsyl).